The following is an entry in ClinVar:

NM_032242.4(PLXNA1):c.1358G>T (p.Arg453Leu)

Gene: PLXNA1 (plexin A1; plus strand). Cytogenetic location: 3q21.3.
Variant type: single nucleotide variant.
Coding change: c.1358G>T on transcript NM_032242.4 (MANE Select); coding-DNA position 1358, G replaced by T.
Protein change: p.Arg453Leu; replaces arginine 453 with leucine.
Molecular consequence: missense variant.
Genome position (GRCh38, 1-based): chr3:126,991,547, G>T. VCF-style: chr3-126991547-G-T. GRCh37 (hg19) VCF-style: chr3-126710390-G-T.
Other names: c.1358G>T (NM_032242.3); short protein forms R453L.
Identifiers: ClinVar variation 1370367 (VCV001370367.8), dbSNP rs149382163, ClinGen allele CA2593203.

ClinVar aggregate classification (germline): Uncertain significance. Review status: criteria provided, multiple submitters, no conflicts (2 of 4 stars). 3 submissions from 3 submitters: Uncertain significance (3). Last evaluated 2024-12-10.

Conditions:
PLXNA1-related disorder. Also called: PLXNA1-related condition.

gnomAD v4.1: 41 of 1,585,188 alleles (0.0026%); highest among the groups gnomAD compares: African/African-American, 0.044%; no homozygotes.

Submissions (3):

PreventionGenetics, part of Exact Sciences
Classification: Uncertain significance for PLXNA1-related condition. Last evaluated: 2024-12-10. Review status: criteria provided, single submitter. Criteria: ACMG Guidelines, 2015. Collection method: clinical testing. Allele origin: germline.
Comment: The PLXNA1 c.1358G>T variant is predicted to result in the amino acid substitution p.Arg453Leu. To our knowledge, this variant has not been reported in the literature. This variant is reported in 0.041% of alleles in individuals of African descent in gnomAD. At this time, the clinical significance of this variant is uncertain due to the absence of conclusive functional and genetic evidence.

Labcorp Genetics (formerly Invitae), Labcorp
Classification: Uncertain significance. Last evaluated: 2021-09-28. Review status: criteria provided, single submitter. Criteria: Invitae Variant Classification Sherloc (09022015). Collection method: clinical testing. Allele origin: germline.
Comment: In summary, the available evidence is currently insufficient to determine the role of this variant in disease. Therefore, it has been classified as a Variant of Uncertain Significance. Algorithms developed to predict the effect of missense changes on protein structure and function (SIFT, PolyPhen-2, Align-GVGD) all suggest that this variant is likely to be tolerated. This variant has not been reported in the literature in individuals affected with PLXNA1-related conditions. This variant is present in population databases (rs149382163, ExAC 0.04%). This sequence change replaces arginine with leucine at codon 453 of the PLXNA1 protein (p.Arg453Leu). The arginine residue is moderately conserved and there is a moderate physicochemical difference between arginine and leucine.

Ambry Genetics
Classification: Uncertain significance. Last evaluated: 2021-08-13. Review status: criteria provided, single submitter. Criteria: Ambry Variant Classification Scheme 2023. Collection method: clinical testing. Allele origin: germline.